The following is an entry in ClinVar:

ClinVar aggregate classification (germline): Pathogenic (1 of 4 stars; one submission).

Conditions:
Neurofibromatosis, type 2 (SWNV). Also called: BILATERAL ACOUSTIC NEUROFIBROMATOSIS; NF2-Related Schwannomatosis; SCHWANNOMATOSIS, VESTIBULAR. Identifiers: Orphanet 637, MedGen C0027832, MONDO:0007039, OMIM 101000. Disease mechanism: loss of function.

Submission:

Labcorp Genetics (formerly Invitae), Labcorp
Classification: Pathogenic for Neurofibromatosis, type 2. Last evaluated: 2023-03-02. Review status: criteria provided, single submitter. Criteria: Invitae Variant Classification Sherloc (09022015). Collection method: clinical testing. Allele origin: germline.
Comment: This variant has not been reported in the literature in individuals affected with NF2-related conditions. This variant is not present in population databases (gnomAD no frequency). This sequence change creates a premature translational stop signal (p.Glu215Argfs*5) in the NF2 gene. It is expected to result in an absent or disrupted protein product. Loss-of-function variants in NF2 are known to be pathogenic (PMID: 9643284, 16983642). For these reasons, this variant has been classified as Pathogenic.

Literature cited by the submitters: PubMed 9643284; PubMed 16983642.

NM_000268.4(NF2):c.643del (p.Glu215fs)

Gene: NF2 (NF2, moesin-ezrin-radixin like (MERLIN) tumor suppressor; plus strand). Cytogenetic location: 22q12.2.
Variant type: Deletion.
Coding change: c.643del on transcript NM_000268.4 (MANE Select); coding-DNA position 643, one base deleted (G; older notation c.643delG).
Protein change: p.Glu215fs; shifts the reading frame from glutamic acid 215.
Molecular consequence: frameshift variant. On other transcripts: intron variant (1).
Genome position (GRCh38, 1-based): chr22:29,658,232, G deleted; the last of 2 consecutive G bases (chr22:29,658,231-29,658,232); deleting either gives the same sequence. VCF-style (leftmost placement, unchanged base first): chr22-29658230-TG-T. GRCh37 (hg19) VCF-style: chr22-30054219-TG-T.
Other names: c.517del, p.Glu173fs (NM_181828.3, NM_001407055.1); c.520del, p.Glu174fs (NM_181829.3, NM_001407054.1, NM_001407058.1 and 1 more transcripts); c.394del, p.Glu132fs (NM_181830.3, NM_181831.3, NM_001407063.1 and 1 more transcripts); c.643del, p.Glu215fs (NM_181832.3, NM_001407057.1, NM_001407059.1 and 4 more transcripts); c.447+15947del (NM_181833.3); c.529del, p.Glu177fs (NM_001407053.1, NM_001407056.1); c.109del, p.Glu37fs (NM_001407065.1); c.412del, p.Glu138fs (NM_001407067.1); short protein forms E138fs, E173fs, E177fs, E215fs, E37fs, E132fs, E174fs.
Identifiers: ClinVar variation 2842039 (VCV002842039.3), dbSNP rs2518575579, ClinGen allele CA2739267870.